The following is an entry in ClinVar:

NM_015909.4(NBAS):c.3841G>C (p.Gly1281Arg)

Gene: NBAS (NBAS subunit of NRZ tethering complex; minus strand). Cytogenetic location: 2p24.3.
Variant type: single nucleotide variant.
Coding change: c.3841G>C on transcript NM_015909.4 (MANE Select); coding-DNA position 3841, G replaced by C.
Protein change: p.Gly1281Arg; replaces glycine 1281 with arginine.
Molecular consequence: missense variant. On other transcripts: non-coding transcript variant (1).
Genome position (GRCh38, 1-based): chr2:15,356,393, C>G on the plus strand (G>C on the coding strand, the complement: NBAS is on the minus strand). VCF-style: chr2-15356393-C-G. GRCh37 (hg19) VCF-style: chr2-15496517-C-G.
Other names: c.3841G>C (NM_015909.2); short protein forms G1281R.
Identifiers: ClinVar variation 2139144 (VCV002139144.5), dbSNP rs767738194, ClinGen allele CA345892395.

ClinVar aggregate classification (germline): Uncertain significance. Review status: criteria provided, multiple submitters, no conflicts (2 of 4 stars). 2 submissions from 2 submitters: Uncertain significance (2). Last evaluated 2025-11-18.

Conditions:
Inborn genetic diseases. Identifiers: MedGen C0950123, MeSH D030342.

gnomAD v4.1: 7 of 1,613,676 alleles (0.00043%); highest among the groups gnomAD compares: Admixed American, 0.012%; no homozygotes.

Submissions (2):

Labcorp Genetics (formerly Invitae), Labcorp
Classification: Uncertain significance. Last evaluated: 2025-11-18. Review status: criteria provided, single submitter. Criteria: Invitae Variant Classification Sherloc (09022015). Collection method: clinical testing. Allele origin: germline.
Comment: This sequence change replaces glycine, which is neutral and non-polar, with arginine, which is basic and polar, at codon 1281 of the NBAS protein (p.Gly1281Arg). This variant is present in population databases (no rsID available, gnomAD 0.1%). This variant has not been reported in the literature in individuals affected with NBAS-related conditions. ClinVar contains an entry for this variant (Variation ID: 2139144). Invitae Evidence Modeling of protein sequence and biophysical properties (such as structural, functional, and spatial information, amino acid conservation, physicochemical variation, residue mobility, and thermodynamic stability) indicates that this missense variant is expected to disrupt NBAS protein function with a positive predictive value of 95%. In summary, the available evidence is currently insufficient to determine the role of this variant in disease. Therefore, it has been classified as a Variant of Uncertain Significance.

Ambry Genetics
Classification: Uncertain significance for Inborn genetic diseases. Last evaluated: 2025-03-04. Review status: criteria provided, single submitter. Criteria: Ambry Variant Classification Scheme 2023. Collection method: clinical testing. Allele origin: germline.